The following is an entry in ClinVar:

NM_000204.5(CFI):c.883+2T>A

Gene: CFI (complement factor I; minus strand). Cytogenetic location: 4q25.
Variant type: single nucleotide variant.
Coding change: c.883+2T>A on transcript NM_000204.5 (MANE Select); the canonical splice donor site of the intron after coding-DNA position 883, T replaced by A.
Molecular consequence: splice donor variant.
Genome position (GRCh38, 1-based): chr4:109,760,268, A>T on the plus strand (T>A on the coding strand, the complement: CFI is on the minus strand). VCF-style: chr4-109760268-A-T. GRCh37 (hg19) VCF-style: chr4-110681424-A-T.
Other names: c.883+2T>A (NM_001375282.1, NM_001375280.1, NM_001375281.1 and 10 more transcripts); c.274+2T>A (NM_001375284.1).
Identifiers: ClinVar variation 4743842 (VCV004743842.1).

ClinVar aggregate classification (germline): Likely pathogenic (1 of 4 stars; one submission).

Submission:

Labcorp Genetics (formerly Invitae), Labcorp
Classification: Likely pathogenic. Last evaluated: 2025-06-19. Review status: criteria provided, single submitter. Criteria: Invitae Variant Classification Sherloc (09022015). Collection method: clinical testing. Allele origin: germline.
Comment: This sequence change affects a donor splice site in intron 6 of the CFI gene. It is expected to disrupt RNA splicing. Variants that disrupt the donor or acceptor splice site typically lead to a loss of protein function (PMID: 16199547), and loss-of-function variants in CFI are known to be pathogenic (PMID: 15917334, 16621965, 19065647, 20016463, 22710145). This variant is not present in population databases (gnomAD no frequency). This variant has not been reported in the literature in individuals affected with CFI-related conditions. Algorithms developed to predict the effect of sequence changes on RNA splicing suggest that this variant may disrupt the consensus splice site. In summary, the currently available evidence indicates that the variant is pathogenic, but additional data are needed to prove that conclusively. Therefore, this variant has been classified as Likely Pathogenic.

Literature cited by the submitters: PubMed 16199547; PubMed 15917334; PubMed 16621965; PubMed 19065647; PubMed 20016463; PubMed 22710145.